The following is an entry in ClinVar:

ClinVar aggregate classification (germline): Pathogenic. Review status: reviewed by expert panel (3 of 4 stars). 3 submissions from 3 submitters: Pathogenic (1). 2 of the submissions do not count toward it. Last evaluated 2016-10-18.

Conditions:
Breast-ovarian cancer, familial, susceptibility to, 2 (BROVCA2). Also called: BRCA2 Hereditary Breast and Ovarian Cancer. Identifiers: Orphanet 145, MedGen C2675520, MONDO:0012933, OMIM 612555. Disease mechanism: loss of function.
Hereditary breast ovarian cancer syndrome. Also called: BRCA1- and BRCA2-Associated Hereditary Breast and Ovarian Cancer; Hereditary breast and ovarian cancer; Breast and ovarian cancer; Hereditary breast and/or ovarian cancer syndrome; Hereditary breast and ovarian cancer syndrome; Hereditary breast and ovarian cancer syndrome (HBOC). Identifiers: Orphanet 145, MedGen C0677776, MeSH D061325, MONDO:0003582. Disease mechanism: loss of function.

Submissions (3):

Evidence-based Network for the Interpretation of Germline Mutant Alleles (ENIGMA)
Classification: Pathogenic for Breast-ovarian cancer, familial, susceptibility to, 2. Last evaluated: 2016-10-18. Review status: reviewed by expert panel. Criteria: ENIGMA BRCA1/2 Classification Criteria (2015). Collection method: curation. Allele origin: germline.
Comment: Variant allele predicted to encode a truncated non-functional protein.

Consortium of Investigators of Modifiers of BRCA1/2 (CIMBA), c/o University of Cambridge
Classification: Pathogenic for Breast-ovarian cancer, familial, susceptibility to, 2. Last evaluated: 2015-10-02. Review status: criteria provided, single submitter. Criteria: CIMBA Mutation Classification guidelines May 2016. Collection method: clinical testing. Allele origin: germline. Not counted in ClinVar's aggregate classification.

Research Molecular Genetics Laboratory, Women's College Hospital, University of Toronto
Classification: Pathogenic for Hereditary breast ovarian cancer syndrome. Last evaluated: 2014-01-31. Review status: no assertion criteria provided. Collection method: research. Allele origin: germline. Affected: yes. Study: The Canadian Open Genetics Repository (COGR). Not counted in ClinVar's aggregate classification.

NM_000059.4(BRCA2):c.6081dupA

Gene: BRCA2 (BRCA2 DNA repair associated; plus strand). Cytogenetic location: 13q13.1.
Variant type: Duplication.
Coding change: c.6081dupA on transcript NM_000059.4; coding-DNA position 6081, one base duplicated (A).
Genome position (GRCh38, 1-based): chr13:32,340,436, A duplicated. VCF-style (leftmost placement, unchanged base first): chr13-32340435-G-GA. GRCh37 (hg19) VCF-style: chr13-32914572-G-GA.
Other names: 6308insA; c.6081dup, p.Glu2028fs (LRG_293t1).
Identifiers: ClinVar variation 266920 (VCV000266920.7), dbSNP rs886040633, ClinGen allele CA10589351.